The following is an entry in ClinVar:

NM_001321967.2(ATAD1):c.765T>A (p.Phe255Leu)

Gene: ATAD1 (ATPase family AAA domain containing 1; minus strand). Cytogenetic location: 10q23.31.
Variant type: single nucleotide variant.
Coding change: c.765T>A on transcript NM_001321967.2 (MANE Select); coding-DNA position 765, T replaced by A.
Protein change: p.Phe255Leu; replaces phenylalanine 255 with leucine.
Molecular consequence: missense variant. On other transcripts: non-coding transcript variant (1), intron variant (1).
Genome position (GRCh38, 1-based): chr10:87,770,967, A>T on the plus strand (T>A on the coding strand, the complement: ATAD1 is on the minus strand). VCF-style: chr10-87770967-A-T. GRCh37 (hg19) VCF-style: chr10-89530724-A-T.
Other names: c.408T>A, p.Phe136Leu (NM_001321969.2); c.765T>A, p.Phe255Leu (NM_032810.4); c.691-3244T>A (NM_001321968.2); short protein forms F136L, F255L.
Identifiers: ClinVar variation 1366275 (VCV001366275.3), dbSNP rs936696254, ClinGen allele CA211252587.
Genomic context (GRCh38, chr10:87,770,967, plus strand): 5'-AAGGTGAGTATTTAACTCTTCATAATATCAATCAAGACCACCTACAGGCTGGTTGATATG[A>T]AATCTTGTAGGCATTCTTCTCATTATAGCCGAGTCAAGGTCCTGAGGACGATTGGTAGCT-3'
Protein context (NP_001308896.1, residues 245-265): SAIMRRMPTR[Phe255Leu]HINQPALKQR

ClinVar aggregate classification (germline): Uncertain significance (1 of 4 stars; one submission).

Allele frequency attached by ClinVar (database versions not stated): gnomAD exomes below 0.00001; gnomAD 0.00001; TOPMed 0.00003.
gnomAD v4.1: 4 of 1,613,310 alleles (0.00025%); highest among the groups gnomAD compares: African/African-American, 0.0053%; no homozygotes.

Submission:

Labcorp Genetics (formerly Invitae), Labcorp
Classification: Uncertain significance. Last evaluated: 2022-08-21. Review status: criteria provided, single submitter. Criteria: Invitae Variant Classification Sherloc (09022015). Collection method: clinical testing. Allele origin: germline.
Comment: This sequence change replaces phenylalanine, which is neutral and non-polar, with leucine, which is neutral and non-polar, at codon 255 of the ATAD1 protein (p.Phe255Leu). This variant is not present in population databases (gnomAD no frequency). This variant has not been reported in the literature in individuals affected with ATAD1-related conditions. ClinVar contains an entry for this variant (Variation ID: 1366275). Algorithms developed to predict the effect of missense changes on protein structure and function are either unavailable or do not agree on the potential impact of this missense change (SIFT: "Not Available"; PolyPhen-2: "Possibly Damaging"; Align-GVGD: "Not Available"). In summary, the available evidence is currently insufficient to determine the role of this variant in disease. Therefore, it has been classified as a Variant of Uncertain Significance.